The following is an entry in ClinVar:

ClinVar aggregate classification (germline): Likely pathogenic (1 of 4 stars; one submission).

Conditions:
Polycystic kidney disease, adult type (PKD1). Also called: POLYCYSTIC KIDNEY DISEASE 1 WITH OR WITHOUT POLYCYSTIC LIVER DISEASE; POLYCYSTIC KIDNEY DISEASE, ADULT, TYPE I; Polycystic Kidney, Autosomal Dominant; Polycystic Kidney Disease 1, Autosomal Dominant; Polycystic kidney disease 1; Polycystic kidney disease 1, severe. Identifiers: MedGen C3149841, MONDO:0008263, OMIM 173900.

Submission:

3billion
Classification: Likely pathogenic for Polycystic kidney disease, adult type. Last evaluated: 2025-01-31. Review status: criteria provided, single submitter. Criteria: ACMG Guidelines, 2015. Collection method: clinical testing. Allele origin: germline. Affected: yes.
Comment: The variant is not observed in the gnomAD v4.1.0 dataset. Predicted Consequence/Location: Stop-gained (nonsense): predicted to result in a loss or disruption of normal protein function through nonsense-mediated decay (NMD) or protein truncation. Multiple pathogenic variants are reported downstream of the variant. Therefore, this variant is classified as Likely pathogenic according to the recommendation of ACMG/AMP guideline.

NM_001009944.3(PKD1):c.2226C>A (p.Tyr742Ter)

Gene: PKD1 (polycystin 1, transient receptor potential channel interacting; minus strand). Cytogenetic location: 16p13.3.
Variant type: single nucleotide variant.
Coding change: c.2226C>A on transcript NM_001009944.3 (MANE Select); coding-DNA position 2226, C replaced by A.
Protein change: p.Tyr742Ter; replaces tyrosine 742 with a stop codon.
Molecular consequence: nonsense.
Genome position (GRCh38, 1-based): chr16:2,114,797, G>T on the plus strand (C>A on the coding strand, the complement: PKD1 is on the minus strand). VCF-style: chr16-2114797-G-T. GRCh37 (hg19) VCF-style: chr16-2164798-G-T.
Other names: c.2226C>A, p.Tyr742Ter (NM_000296.4); short protein forms Y742*.
Identifiers: ClinVar variation 4293324 (VCV004293324.1).